The following is an entry in ClinVar:

ClinVar aggregate classification (germline): Conflicting classifications of pathogenicity. Review status: criteria provided, conflicting classifications (1 of 4 stars). 7 submissions from 7 submitters: Uncertain significance (2); Likely benign (5). Last evaluated 2026-01-28.

Conditions:
Cardiovascular phenotype. Identifiers: MedGen CN230736.
Brittle cornea syndrome 1 (BCS1). Also called: DYSGENESIS MESODERMALIS CORNEAE ET SCLERAE; EDS6B; FRAGILITAS OCULI WITH JOINT HYPEREXTENSIBILITY; Corneal fragility keratoglobus, blue sclerae AND joint hypermobility; CORNEAL FRAGILITY, KERATOGLOBUS, BLUE SCLERAE, JOINT HYPEREXTENSIBILITY. Identifiers: Orphanet 90354, MedGen C0268344, MONDO:0024543, OMIM 229200.
Ehlers-Danlos syndrome (EDS). Identifiers: Orphanet 98249, MedGen C0013720, MONDO:0020066.
ZNF469-related disorder. Also called: ZNF469-related condition.

Allele frequency attached by ClinVar (database versions not stated): ExAC 0.00005; gnomAD exomes 0.00022 and 0.00031; 1000 Genomes Project 0.00120; 1000 Genomes Project 30x 0.00125.
gnomAD v4.1: 341 of 1,549,646 alleles (0.022%); highest among the groups gnomAD compares: East Asian, 0.8%; 4 homozygotes.

Submissions (7):

Labcorp Genetics (formerly Invitae), Labcorp
Classification: Likely benign. Last evaluated: 2026-01-28. Review status: criteria provided, single submitter. Criteria: Invitae Variant Classification Sherloc (09022015). Collection method: clinical testing. Allele origin: germline.

PreventionGenetics, part of Exact Sciences
Classification: Likely benign for ZNF469-related condition. Last evaluated: 2024-10-29. Review status: criteria provided, single submitter. Criteria: ACMG Guidelines, 2015. Collection method: clinical testing. Allele origin: germline.
Comment: This variant is classified as likely benign based on ACMG/AMP sequence variant interpretation guidelines (Richards et al. 2015 PMID: 25741868, with internal and published modifications).

Blueprint Genetics
Classification: Uncertain significance. Last evaluated: 2024-05-15. Review status: criteria provided, single submitter. Criteria: ACMG Guidelines, 2015. Collection method: clinical testing. Allele origin: germline.

Center for Genomics, Ann and Robert H. Lurie Children's Hospital of Chicago
Classification: Likely benign for Brittle cornea syndrome 1. Last evaluated: 2022-02-04. Review status: criteria provided, single submitter. Criteria: ACMG Guidelines, 2015. Collection method: clinical testing. Allele origin: germline.
Comment: This variant has been reported in the literature in the heterozygous state in individuals with features suggestive of a connective tissue disorder or an unspecified inherited eye disorder (Qin 2019 PMID:31279624; Li 2021 PMID:33816482). This variant is present in 0.5% (56/12460) of East Asian alleles in the Genome Aggregation Database, and is present in ClinVar (Variation ID:1183383). Evolutionary conservation and computational predictive tools suggest that this variant may not impact the protein. In summary, data on this variant suggests that this variant does not cause disease but requires further evidence. Therefore, this variant is classified as likely benign.

Genome Diagnostics Laboratory, The Hospital for Sick Children
Classification: Uncertain significance for Ehlers-Danlos syndrome. Last evaluated: 2020-05-01. Review status: criteria provided, single submitter. Criteria: ACMG Guidelines, 2015. Collection method: clinical testing. Allele origin: germline.

GeneDx
Classification: Likely benign. Last evaluated: 2020-03-18. Review status: criteria provided, single submitter. Criteria: GeneDx Variant Classification Process June 2021. Collection method: clinical testing. Allele origin: germline. Affected: yes.
Comment: This variant is associated with the following publications: (PMID: 31279624)

Ambry Genetics
Classification: Likely benign for Cardiovascular phenotype. Last evaluated: 2019-07-23. Review status: criteria provided, single submitter. Criteria: Ambry Variant Classification Scheme 2023. Collection method: clinical testing. Allele origin: germline.

NM_001367624.2(ZNF469):c.4507C>G (p.Leu1503Val)

Gene: ZNF469 (zinc finger protein 469; plus strand). Cytogenetic location: 16q24.2.
Variant type: single nucleotide variant.
Coding change: c.4507C>G on transcript NM_001367624.2 (MANE Select); coding-DNA position 4507, C replaced by G.
Protein change: p.Leu1503Val; replaces leucine 1503 with valine.
Molecular consequence: missense variant.
Genome position (GRCh38, 1-based): chr16:88,431,977, C>G. VCF-style: chr16-88431977-C-G. GRCh37 (hg19) VCF-style: chr16-88498385-C-G.
Other names: NM_001127464.1:c.4423C>G; NM_001127464.2:c.4423C>G; short protein forms L1503V.
Identifiers: ClinVar variation 1183383 (VCV001183383.18), dbSNP rs139043003, ClinGen allele CA8224968.